The following is an entry in ClinVar:

NM_020831.6(MRTFA):c.758C>T (p.Thr253Ile)

Gene: MRTFA (myocardin related transcription factor A; minus strand). Cytogenetic location: 22q13.1.
Variant type: single nucleotide variant.
Coding change: c.758C>T on transcript NM_020831.6 (MANE Select); coding-DNA position 758, C replaced by T.
Protein change: p.Thr253Ile; replaces threonine 253 with isoleucine.
Molecular consequence: missense variant.
Genome position (GRCh38, 1-based): chr22:40,424,225, G>A on the plus strand (C>T on the coding strand, the complement: MRTFA is on the minus strand). VCF-style: chr22-40424225-G-A. GRCh37 (hg19) VCF-style: chr22-40820229-G-A.
Other names: c.458C>T, p.Thr153Ile (NM_001282660.2); c.758C>T, p.Thr253Ile (NM_001282661.3, NM_001282662.3); c.563C>T, p.Thr188Ile (NM_001318139.2); short protein forms T188I, T153I, T253I.
Identifiers: ClinVar variation 4553395 (VCV004553395.2).
Genomic context (GRCh38, chr22:40,424,225, plus strand): 5'-GCACCTTGGAGCTGGGGAAGCATCTGGAAGCACACACTCACCTGGGTGGGGGATGCAGAG[G>A]TGGCACTGAGCAGTGGTTCGCTGACTCGGGCCTCCAGGGGTGACGGCACAGAACCCTGGG-3'
Protein context (NP_065882.2, residues 243-263): ARVSEPLLSA[Thr253Ile]SASPTQVVSQ

ClinVar aggregate classification (germline): Uncertain significance. Review status: criteria provided, multiple submitters, no conflicts (2 of 4 stars). 2 submissions from 2 submitters: Uncertain significance (2). Last evaluated 2025-11-20.

Submissions (2):

Ambry Genetics
Classification: Uncertain significance. Last evaluated: 2025-11-20. Review status: criteria provided, single submitter. Criteria: Ambry Variant Classification Scheme 2023. Collection method: clinical testing. Allele origin: germline.

Labcorp Genetics (formerly Invitae), Labcorp
Classification: Uncertain significance. Last evaluated: 2025-04-01. Review status: criteria provided, single submitter. Criteria: Invitae Variant Classification Sherloc (09022015). Collection method: clinical testing. Allele origin: germline.
Comment: This sequence change replaces threonine, which is neutral and polar, with isoleucine, which is neutral and non-polar, at codon 153 of the MKL1 protein (p.Thr153Ile). This variant is not present in population databases (gnomAD no frequency). This variant has not been reported in the literature in individuals affected with MKL1-related conditions. An algorithm developed to predict the effect of missense changes on protein structure and function outputs the following: PolyPhen-2: "Possibly Damaging". The isoleucine amino acid residue is found in multiple mammalian species, which suggests that this missense change does not adversely affect protein function. In summary, the available evidence is currently insufficient to determine the role of this variant in disease. Therefore, it has been classified as a Variant of Uncertain Significance.